The following is an entry in ClinVar:

ClinVar aggregate classification (germline): Uncertain significance. Review status: criteria provided, multiple submitters, no conflicts (2 of 4 stars). 3 submissions from 3 submitters: Uncertain significance (3). Last evaluated 2024-10-17.

Conditions:
Inborn genetic diseases. Identifiers: MedGen C0950123, MeSH D030342.

Allele frequency attached by ClinVar (database versions not stated): gnomAD exomes below 0.00001; TOPMed below 0.00001.
gnomAD v4.1: 3 of 1,614,190 alleles (0.00019%); highest among the groups gnomAD compares: Non-Finnish European, 0.00025%; no homozygotes.

Submissions (3):

Labcorp Genetics (formerly Invitae), Labcorp
Classification: Uncertain significance. Last evaluated: 2024-10-17. Review status: criteria provided, single submitter. Criteria: Invitae Variant Classification Sherloc (09022015). Collection method: clinical testing. Allele origin: germline.
Comment: This sequence change replaces glycine, which is neutral and non-polar, with aspartic acid, which is acidic and polar, at codon 775 of the FLNB protein (p.Gly775Asp). This variant is not present in population databases (gnomAD no frequency). This variant has not been reported in the literature in individuals affected with FLNB-related conditions. ClinVar contains an entry for this variant (Variation ID: 1314735). An algorithm developed to predict the effect of missense changes on protein structure and function (PolyPhen-2) suggests that this variant is likely to be disruptive. In summary, the available evidence is currently insufficient to determine the role of this variant in disease. Therefore, it has been classified as a Variant of Uncertain Significance.

Ambry Genetics
Classification: Uncertain significance for Inborn genetic diseases. Last evaluated: 2022-03-21. Review status: criteria provided, single submitter. Criteria: Ambry Variant Classification Scheme 2023. Collection method: clinical testing. Allele origin: germline.

GeneDx
Classification: Uncertain significance. Last evaluated: 2021-04-21. Review status: criteria provided, single submitter. Criteria: GeneDx Variant Classification Process June 2021. Collection method: clinical testing. Allele origin: germline. Affected: yes.
Comment: Not observed in large population cohorts (Lek et al., 2016); In silico analysis supports that this missense variant has a deleterious effect on protein structure/function; In-silico analysis, which includes splice predictors and evolutionary conservation, is inconclusive as to whether the variant alters gene splicing. In the absence of RNA/functional studies, the actual effect of this sequence change is unknown.; Has not been previously published as pathogenic or benign to our knowledge

NM_001457.4(FLNB):c.2324G>A (p.Gly775Asp)

Gene: FLNB (filamin B; plus strand). Cytogenetic location: 3p14.3.
Variant type: single nucleotide variant.
Coding change: c.2324G>A on transcript NM_001457.4 (MANE Select); coding-DNA position 2324, G replaced by A.
Protein change: p.Gly775Asp; replaces glycine 775 with aspartic acid.
Molecular consequence: missense variant.
Genome position (GRCh38, 1-based): chr3:58,110,010, G>A. VCF-style: chr3-58110010-G-A. GRCh37 (hg19) VCF-style: chr3-58095737-G-A.
Other names: c.2324G>A, p.Gly775Asp (NM_001164317.2, NM_001164318.2, NM_001164319.2); short protein forms G775D.
Identifiers: ClinVar variation 1314735 (VCV001314735.6), dbSNP rs1247642284, ClinGen allele CA353343912.